The following is an entry in ClinVar:

Conditions:
Long QT syndrome 5 (LQT5). Identifiers: Orphanet 101016, Orphanet 768, MedGen C1867904, MONDO:0013372, OMIM 613695.

Submission:

Roden Lab, Vanderbilt University Medical Center
No classification provided (evidence only). Condition: Long QT syndrome 5. Review status: no classification provided. Collection method: in vitro. Allele origin: not applicable. Functional consequence: Effect on ion channel function.
ClinVar note: "not provided" was previously submitted as the classification for the variant. However, the classification appeared to be based only on an observation of functional data so it was converted to no classification on 2025-07-30.

NM_000219.6(KCNE1):c.243C>T (p.Tyr81=)

Gene: KCNE1 (potassium voltage-gated channel subfamily E regulatory subunit 1; minus strand). Cytogenetic location: 21q22.12.
Variant type: single nucleotide variant.
Coding change: c.243C>T on transcript NM_000219.6 (MANE Select); coding-DNA position 243, C replaced by T.
Protein change: p.Tyr81=; no amino-acid change (tyrosine 81 retained).
Molecular consequence: synonymous variant.
Genome position (GRCh38, 1-based): chr21:34,449,392, G>A on the plus strand (C>T on the coding strand, the complement: KCNE1 is on the minus strand). VCF-style: chr21-34449392-G-A. GRCh37 (hg19) VCF-style: chr21-35821690-G-A.
Other names: c.243C>T, p.Tyr81= (NM_001127668.4, NM_001127669.4, NM_001127670.4 and 4 more transcripts).
Identifiers: ClinVar variation 3374422 (VCV003374422.2).
Genomic context (GRCh38, chr21:34,449,392, plus strand): 5'-CTCCAGGACCCGGGCCTGGACATAGGCCTTGTCCTTCTCTTGCCAGGCATCGGACTCGAT[G>A]TAGACGTTGAATGGGTCGTTCGAGTGCTCCAGCTTCTTGGAGCGGATGTAGCTCAGCATG-3'
Protein context (NP_000210.2, residues 71-91): LEHSNDPFNV[Tyr81=]IESDAWQEKD